The following is an entry in ClinVar:

ClinVar aggregate classification (germline): Likely pathogenic (1 of 4 stars; one submission).

Conditions:
NBEAL2-related disorder. Also called: NBEAL2-related condition.

Submission:

PreventionGenetics, part of Exact Sciences
Classification: Likely pathogenic for NBEAL2-related condition. Last evaluated: 2023-02-08. Review status: criteria provided, single submitter. Criteria: ACMG Guidelines, 2015. Collection method: clinical testing. Allele origin: germline.
Comment: The NBEAL2 c.7650T>G variant is predicted to result in premature protein termination (p.Tyr2550*). To our knowledge, this variant has not been reported in the literature or in a large population database, indicating this variant is rare. Nonsense variants in NBEAL2 are expected to be pathogenic. This variant is interpreted as likely pathogenic.

NM_015175.3(NBEAL2):c.7650T>G (p.Tyr2550Ter)

Gene: NBEAL2 (neurobeachin like 2; plus strand). Cytogenetic location: 3p21.31.
Variant type: single nucleotide variant.
Coding change: c.7650T>G on transcript NM_015175.3 (MANE Select); coding-DNA position 7650, T replaced by G.
Protein change: p.Tyr2550Ter; replaces tyrosine 2550 with a stop codon.
Molecular consequence: nonsense.
Genome position (GRCh38, 1-based): chr3:47,008,117, T>G. VCF-style: chr3-47008117-T-G. GRCh37 (hg19) VCF-style: chr3-47049607-T-G.
Other names: c.7548T>G, p.Tyr2516Ter (NM_001365116.2); short protein forms Y2516*, Y2550*.
Identifiers: ClinVar variation 2635790 (VCV002635790.1), dbSNP rs2545341177, ClinGen allele CA352546182.